The following is an entry in ClinVar:

ClinVar aggregate classification (germline): Likely benign (1 of 4 stars; one submission).

Submission:

CeGaT Center for Human Genetics Tuebingen
Classification: Likely benign. Last evaluated: 2026-07-01. Review status: criteria provided, single submitter. Criteria: CeGaT Center For Human Genetics Tuebingen Variant Classification Criteria Version 2. Collection method: clinical testing. Allele origin: germline. Affected: yes. Observed: 1 variant allele.
Comment: STRA6: PM2:Supporting, BP4, BP7

NM_022369.4(STRA6):c.432G>C (p.Gly144=)

Gene: STRA6 (signaling receptor and transporter of retinol STRA6; minus strand). Cytogenetic location: 15q24.1.
Variant type: single nucleotide variant.
Coding change: c.432G>C on transcript NM_022369.4 (MANE Select); coding-DNA position 432, G replaced by C.
Protein change: p.Gly144=; no amino-acid change (glycine 144 retained).
Molecular consequence: synonymous variant. On other transcripts: 3 prime UTR variant (1).
Genome position (GRCh38, 1-based): chr15:74,195,467, C>G on the plus strand (G>C on the coding strand, the complement: STRA6 is on the minus strand). VCF-style: chr15-74195467-C-G. GRCh37 (hg19) VCF-style: chr15-74487808-C-G.
Other names: c.432G>C, p.Gly144= (NM_001142617.2, NM_001142618.2, NM_001437994.1); c.405G>C, p.Gly135= (NM_001142619.2); c.*135G>C (NM_001142620.2); c.543G>C, p.Gly181= (NM_001199040.2); c.477G>C, p.Gly159= (NM_001199041.2); c.549G>C, p.Gly183= (NM_001199042.2).
Identifiers: ClinVar variation 5039036 (VCV005039036.1).
Genomic context (GRCh38, chr15:74,195,467, plus strand): 5'-ACAGGCAGCCAGAGGGTAGTAGAGGGCAGCATAATAGAACAGTCCCAGTATCTTCCAGGC[C>G]CCTGGAAGGTGAAACAAGCAGAGAGACCCATGCTGGAGGGGCAGACATGGGGCCTGCAGT-3'
Protein context (NP_071764.3, residues 134-154): SQDGKTEAPR[Gly144=]AWKILGLFYY